The following is an entry in ClinVar:

ClinVar aggregate classification (germline): Uncertain significance (1 of 4 stars; one submission).

Allele frequency attached by ClinVar (database versions not stated): gnomAD exomes below 0.00001; TOPMed below 0.00001.
gnomAD v4.1: 1 of 1,513,536 alleles (0.000066%); highest among the groups gnomAD compares: African/African-American, 0.0014%; no homozygotes.

Submission:

Labcorp Genetics (formerly Invitae), Labcorp
Classification: Uncertain significance. Last evaluated: 2024-02-17. Review status: criteria provided, single submitter. Criteria: Invitae Variant Classification Sherloc (09022015). Collection method: clinical testing. Allele origin: germline.
Comment: This sequence change replaces proline, which is neutral and non-polar, with serine, which is neutral and polar, at codon 414 of the RIMS1 protein (p.Pro414Ser). This variant is not present in population databases (gnomAD no frequency). This variant has not been reported in the literature in individuals affected with RIMS1-related conditions. ClinVar contains an entry for this variant (Variation ID: 1353420). An algorithm developed to predict the effect of missense changes on protein structure and function (PolyPhen-2) suggests that this variant is likely to be tolerated. In summary, the available evidence is currently insufficient to determine the role of this variant in disease. Therefore, it has been classified as a Variant of Uncertain Significance.

NM_014989.7(RIMS1):c.1240C>T (p.Pro414Ser)

Gene: RIMS1 (regulating synaptic membrane exocytosis 1; plus strand). Cytogenetic location: 6q13.
Variant type: single nucleotide variant.
Coding change: c.1240C>T on transcript NM_014989.7 (MANE Select); coding-DNA position 1240, C replaced by T.
Protein change: p.Pro414Ser; replaces proline 414 with serine.
Molecular consequence: missense variant.
Genome position (GRCh38, 1-based): chr6:72,182,711, C>T. VCF-style: chr6-72182711-C-T. GRCh37 (hg19) VCF-style: chr6-72892414-C-T.
Other names: short protein forms P414S.
Identifiers: ClinVar variation 1353420 (VCV001353420.6), dbSNP rs1245468267, ClinGen allele CA364820550.